The following is an entry in ClinVar:

NM_006254.4(PRKCD):c.8C>G (p.Pro3Arg)

Gene: PRKCD (protein kinase C delta; plus strand). Cytogenetic location: 3p21.1.
Variant type: single nucleotide variant.
Coding change: c.8C>G on transcript NM_006254.4 (MANE Select); coding-DNA position 8, C replaced by G.
Protein change: p.Pro3Arg; replaces proline 3 with arginine.
Molecular consequence: missense variant.
Genome position (GRCh38, 1-based): chr3:53,178,430, C>G. VCF-style: chr3-53178430-C-G. GRCh37 (hg19) VCF-style: chr3-53212446-C-G.
Other names: c.8C>G, p.Pro3Arg (NM_001316327.2, NM_001354679.2, NM_001354680.2 and 1 more transcripts); c.65C>G, p.Pro22Arg (NM_001354676.2); c.56C>G, p.Pro19Arg (NM_001354678.2); short protein forms P19R, P22R, P3R.
Identifiers: ClinVar variation 3605192 (VCV003605192.2).

ClinVar aggregate classification (germline): Uncertain significance (1 of 4 stars; one submission).

Conditions:
Autoimmune lymphoproliferative syndrome, type III caused by mutation in PRKCD. Identifiers: Orphanet 3261, Orphanet 664711, MedGen C3809928, MONDO:8000024, OMIM 615559.

gnomAD v4.1: 19 of 1,611,406 alleles (0.0012%); highest among the groups gnomAD compares: Non-Finnish European, 0.0016%; no homozygotes.

Submission:

Labcorp Genetics (formerly Invitae), Labcorp
Classification: Uncertain significance for Autoimmune lymphoproliferative syndrome, type III caused by mutation in PRKCD. Last evaluated: 2024-09-16. Review status: criteria provided, single submitter. Criteria: Invitae Variant Classification Sherloc (09022015). Collection method: clinical testing. Allele origin: germline.
Comment: This sequence change replaces proline, which is neutral and non-polar, with arginine, which is basic and polar, at codon 3 of the PRKCD protein (p.Pro3Arg). This variant is not present in population databases (gnomAD no frequency). This variant has not been reported in the literature in individuals affected with PRKCD-related conditions. An algorithm developed to predict the effect of missense changes on protein structure and function (PolyPhen-2) suggests that this variant is likely to be disruptive. In summary, the available evidence is currently insufficient to determine the role of this variant in disease. Therefore, it has been classified as a Variant of Uncertain Significance.